The following is an entry in ClinVar:

NM_033305.3(VPS13A):c.4041C>T (p.Ala1347=)

Gene: VPS13A (vacuolar protein sorting 13 homolog A; plus strand). Cytogenetic location: 9q21.2.
Variant type: single nucleotide variant.
Coding change: c.4041C>T on transcript NM_033305.3 (MANE Select); coding-DNA position 4041, C replaced by T.
Protein change: p.Ala1347=; no amino-acid change (alanine 1347 retained).
Molecular consequence: synonymous variant.
Genome position (GRCh38, 1-based): chr9:77,308,025, C>T. VCF-style: chr9-77308025-C-T. GRCh37 (hg19) VCF-style: chr9-79922941-C-T.
Other names: c.3924C>T, p.Ala1308= (NM_001018037.2); c.4041C>T, p.Ala1347= (NM_001018038.3, NM_015186.4).
Identifiers: ClinVar variation 367381 (VCV000367381.19), dbSNP rs74983687, ClinGen allele CA5092419.

ClinVar aggregate classification (germline): Benign/Likely benign. Review status: criteria provided, multiple submitters, no conflicts (2 of 4 stars). 4 submissions from 4 submitters: Benign (2); Likely benign (2). Last evaluated 2026-01-28.

Conditions:
VPS13A-related neurodegenerative disease. Also called: Choreoacanthocytosis; Chorea-acanthocytosis; LEVINE-CRITCHLEY SYNDROME; Choreaacanthocytosis; ACANTHOCYTOSIS WITH NEUROLOGIC DISORDER; VPS13A Disease. Identifiers: Orphanet 2388, MedGen C0393576, MONDO:0008695, OMIM 200150.

Allele frequency attached by ClinVar (database versions not stated): ESP Exome Variant Server 0.00008; gnomAD exomes 0.00105 and 0.00334; gnomAD 0.00113 and 0.00164; TOPMed 0.00193; ExAC 0.00323; 1000 Genomes Project 30x 0.00796; 1000 Genomes Project 0.00859.
gnomAD v4.1: 1,856 of 1,613,366 alleles (0.12%); highest among the groups gnomAD compares: East Asian, 3.2%; 30 homozygotes.

Submissions (4):

Labcorp Genetics (formerly Invitae), Labcorp
Classification: Benign. Last evaluated: 2026-01-28. Review status: criteria provided, single submitter. Criteria: Invitae Variant Classification Sherloc (09022015). Collection method: clinical testing. Allele origin: germline.

Fulgent Genetics
Classification: Likely benign for VPS13A-related neurodegenerative disease. Last evaluated: 2021-09-29. Review status: criteria provided, single submitter. Criteria: ACMG Guidelines, 2015. Collection method: clinical testing. Allele origin: unknown.

GeneDx
Classification: Likely benign. Last evaluated: 2020-11-04. Review status: criteria provided, single submitter. Criteria: GeneDx Variant Classification Process June 2021. Collection method: clinical testing. Allele origin: germline. Affected: yes.

Illumina Laboratory Services, Illumina
Classification: Benign for VPS13A-related neurodegenerative disease. Last evaluated: 2018-01-13. Review status: criteria provided, single submitter. Criteria: ICSL Variant Classification Criteria 13 December 2019. Collection method: clinical testing. Allele origin: germline.
Comment: This variant was observed in the ICSL laboratory as part of a predisposition screen in an ostensibly healthy population. It had not been previously curated by ICSL or reported in the Human Gene Mutation Database (HGMD: prior to June 1st, 2018), and was therefore a candidate for classification through an automated scoring system. Utilizing variant allele frequency, disease prevalence and penetrance estimates, and inheritance mode, an automated score was calculated to assess if this variant is too frequent to cause the disease. Based on the score and internal cut-off values, a variant classified as benign is not then subjected to further curation. The score for this variant resulted in a classification of benign for this disease.